The following is an entry in ClinVar:

NM_024426.6(WT1):c.724G>A (p.Ala242Thr)

Gene: WT1 (WT1 transcription factor; minus strand). Cytogenetic location: 11p13.
Variant type: single nucleotide variant.
Coding change: c.724G>A on transcript NM_024426.6 (MANE Select); coding-DNA position 724, G replaced by A.
Protein change: p.Ala242Thr; replaces alanine 242 with threonine.
Molecular consequence: missense variant. On other transcripts: non-coding transcript variant (1).
Genome position (GRCh38, 1-based): chr11:32,428,557, C>T on the plus strand (G>A on the coding strand, the complement: WT1 is on the minus strand). VCF-style: chr11-32428557-C-T. GRCh37 (hg19) VCF-style: chr11-32450103-C-T.
Other names: c.73G>A, p.Ala25Thr (NM_001198552.2, NM_001198551.2); c.724G>A, p.Ala242Thr (NM_001407044.1, NM_001407045.1, NM_001407046.1 and 4 more transcripts); c.-39G>A (NM_001407051.1); c.709G>A, p.Ala237Thr (NM_024425.2); short protein forms A242T, A25T, A237T.
Identifiers: ClinVar variation 656498 (VCV000656498.14), dbSNP rs1590395740, ClinGen allele CA379963417.
Genomic context (GRCh38, chr11:32,428,557, plus strand): 5'-CCAGCGAGCCCTGCTGGCCCATGGGATCCTCATGCTTGAATGAGTGGTTGGGGAACTGCG[C>T]CGCATGGTGCGAGGGCGTGTGACCGTAGCTGGGCGTCCCGTCGAAGGTGACCGTGCTGTA-3'
Protein context (NP_077744.4, residues 232-252): SYGHTPSHHA[Ala242Thr]QFPNHSFKHE

ClinVar aggregate classification (germline): Uncertain significance. Review status: criteria provided, multiple submitters, no conflicts (2 of 4 stars). 3 submissions from 3 submitters: Uncertain significance (3). Last evaluated 2025-11-17.

Conditions:
Drash syndrome (DDS). Also called: WILMS TUMOR AND PSEUDO- OR TRUE HERMAPHRODITISM; NEPHROPATHY, WILMS TUMOR, AND GENITAL ANOMALIES. Identifiers: Orphanet 220, MedGen C0950121, MONDO:0008682, OMIM 194080.
Wilms tumor 1 (WT1). Also called: Wilms tumor, somatic. Identifiers: Orphanet 654, MedGen CN033288, MONDO:0008679, OMIM 194070.
11p partial monosomy syndrome (WAGR). Also called: WAGR Complex; WAGR syndrome; WAGR Spectrum Disorder; CHROMOSOME 11p13 DELETION SYNDROME. Identifiers: Orphanet 893, MedGen C0206115, MONDO:0008681, OMIM 194072.
Frasier syndrome. Identifiers: Orphanet 347, MedGen C0950122, MeSH D052159, MONDO:0007635, OMIM 136680.
Inborn genetic diseases. Identifiers: MedGen C0950123, MeSH D030342.

Allele frequency attached by ClinVar (database versions not stated): gnomAD exomes below 0.00001; gnomAD 0.00001.
gnomAD v4.1: 2 of 1,614,094 alleles (0.00012%); highest among the groups gnomAD compares: Non-Finnish European, 0.000085%; no homozygotes.

Submissions (3):

Ambry Genetics
Classification: Uncertain significance for Inborn genetic diseases. Last evaluated: 2025-11-17. Review status: criteria provided, single submitter. Criteria: Ambry Variant Classification Scheme 2023. Collection method: clinical testing. Allele origin: germline.
Comment: The p.A237T variant (also known as c.709G>A), located in coding exon 2 of the WT1 gene, results from a G to A substitution at nucleotide position 709. The alanine at codon 237 is replaced by threonine, an amino acid with similar properties. This amino acid position is conserved. In addition, the in silico prediction for this alteration is inconclusive. Based on the available evidence, the clinical significance of this variant remains unclear.

Baylor Genetics
Classification: Uncertain significance for Drash syndrome. Last evaluated: 2023-12-05. Review status: criteria provided, single submitter. Criteria: ACMG Guidelines, 2015. Collection method: clinical testing. Allele origin: unknown.

Labcorp Genetics (formerly Invitae), Labcorp
Classification: Uncertain significance for Wilms tumor 1; Drash syndrome; 11p partial monosomy syndrome; Frasier syndrome. Last evaluated: 2023-02-09. Review status: criteria provided, single submitter. Criteria: Invitae Variant Classification Sherloc (09022015). Collection method: clinical testing. Allele origin: germline.
Comment: In summary, the available evidence is currently insufficient to determine the role of this variant in disease. Therefore, it has been classified as a Variant of Uncertain Significance. Algorithms developed to predict the effect of missense changes on protein structure and function (SIFT, PolyPhen-2, Align-GVGD) all suggest that this variant is likely to be tolerated. ClinVar contains an entry for this variant (Variation ID: 656498). This variant has not been reported in the literature in individuals affected with WT1-related conditions. This variant is not present in population databases (gnomAD no frequency). This sequence change replaces alanine, which is neutral and non-polar, with threonine, which is neutral and polar, at codon 237 of the WT1 protein (p.Ala237Thr).